The following is an entry in ClinVar:

ClinVar aggregate classification (germline): Uncertain significance (1 of 4 stars; one submission).

Conditions:
Alpha thalassemia-X-linked intellectual disability syndrome (ATRX). Also called: ALPHA-THALASSEMIA/MENTAL RETARDATION SYNDROME, X-LINKED; ATR, NONDELETION TYPE; ATR-X syndrome; Alpha thalassemia mental retardation syndrome, nondeletion type, X-linked; XLMR hypotonic face syndrome; X-linked alpha-thalassemia-mental retardation syndrome. Identifiers: Orphanet 847, MedGen C1845055, MONDO:0010519, OMIM 301040.

Submission:

Labcorp Genetics (formerly Invitae), Labcorp
Classification: Uncertain significance for Alpha thalassemia-X-linked intellectual disability syndrome. Last evaluated: 2022-07-19. Review status: criteria provided, single submitter. Criteria: Invitae Variant Classification Sherloc (09022015). Collection method: clinical testing. Allele origin: germline.
Comment: This variant has not been reported in the literature in individuals affected with ATRX-related conditions. ClinVar contains an entry for this variant (Variation ID: 1057898). This variant is not present in population databases (gnomAD no frequency). Algorithms developed to predict the effect of missense changes on protein structure and function (SIFT, PolyPhen-2, Align-GVGD) all suggest that this variant is likely to be tolerated. In summary, the available evidence is currently insufficient to determine the role of this variant in disease. Therefore, it has been classified as a Variant of Uncertain Significance. This sequence change replaces serine, which is neutral and polar, with alanine, which is neutral and non-polar, at codon 1406 of the ATRX protein (p.Ser1406Ala).

NM_000489.6(ATRX):c.4216T>G (p.Ser1406Ala)

Gene: ATRX (ATRX chromatin remodeler; minus strand). Cytogenetic location: Xq21.1.
Variant type: single nucleotide variant.
Coding change: c.4216T>G on transcript NM_000489.6 (MANE Select); coding-DNA position 4216, T replaced by G.
Protein change: p.Ser1406Ala; replaces serine 1406 with alanine.
Molecular consequence: missense variant.
Genome position (GRCh38, 1-based): chrX:77,654,199, A>C on the plus strand (T>G on the coding strand, the complement: ATRX is on the minus strand). VCF-style: chrX-77654199-A-C. GRCh37 (hg19) VCF-style: chrX-76909689-A-C.
Other names: c.4102T>G, p.Ser1368Ala (NM_138270.5); short protein forms S1368A, S1406A.
Identifiers: ClinVar variation 1057898 (VCV001057898.9), dbSNP rs2148451827, ClinGen allele CA413709744.